The following is an entry in ClinVar:

NM_004484.4(GPC3):c.1381C>G (p.Gln461Glu)

Gene: GPC3 (glypican 3; minus strand). Cytogenetic location: Xq26.2.
Variant type: single nucleotide variant.
Coding change: c.1381C>G on transcript NM_004484.4 (MANE Select); coding-DNA position 1381, C replaced by G.
Protein change: p.Gln461Glu; replaces glutamine 461 with glutamic acid.
Molecular consequence: missense variant.
Genome position (GRCh38, 1-based): chrX:133,661,762, G>C on the plus strand (C>G on the coding strand, the complement: GPC3 is on the minus strand). VCF-style: chrX-133661762-G-C. GRCh37 (hg19) VCF-style: chrX-132795790-G-C.
Other names: c.1450C>G, p.Gln484Glu (NM_001164617.2); c.1333C>G, p.Gln445Glu (NM_001164618.2); c.1219C>G, p.Gln407Glu (NM_001164619.2); short protein forms Q407E, Q445E, Q484E, Q461E.
Identifiers: ClinVar variation 1412178 (VCV001412178.8), dbSNP rs1603215815, ClinGen allele CA414704424.

ClinVar aggregate classification (germline): Uncertain significance (1 of 4 stars; one submission).

Conditions:
Wilms tumor 1 (WT1). Also called: Wilms tumor, somatic. Identifiers: Orphanet 654, MedGen CN033288, MONDO:0008679, OMIM 194070.

Allele frequency attached by ClinVar (database versions not stated): gnomAD exomes below 0.00001.
gnomAD v4.1: 1 of 1,190,554 alleles (0.000084%); highest among the groups gnomAD compares: Non-Finnish European, 0.00011%; no homozygotes.

Submission:

Labcorp Genetics (formerly Invitae), Labcorp
Classification: Uncertain significance for Wilms tumor 1. Last evaluated: 2023-08-31. Review status: criteria provided, single submitter. Criteria: Invitae Variant Classification Sherloc (09022015). Collection method: clinical testing. Allele origin: germline.
Comment: ClinVar contains an entry for this variant (Variation ID: 1412178). In summary, the available evidence is currently insufficient to determine the role of this variant in disease. Therefore, it has been classified as a Variant of Uncertain Significance. Advanced modeling of protein sequence and biophysical properties (such as structural, functional, and spatial information, amino acid conservation, physicochemical variation, residue mobility, and thermodynamic stability) has been performed at Invitae for this missense variant, however the output from this modeling did not meet the statistical confidence thresholds required to predict the impact of this variant on GPC3 protein function. This variant has not been reported in the literature in individuals affected with GPC3-related conditions. This variant is not present in population databases (gnomAD no frequency). This sequence change replaces glutamine, which is neutral and polar, with glutamic acid, which is acidic and polar, at codon 461 of the GPC3 protein (p.Gln461Glu).